The following is an entry in ClinVar:

NM_000256.3(MYBPC3):c.1965A>G (p.Ile655Met)

Gene: MYBPC3 (myosin binding protein C3; minus strand). Cytogenetic location: 11p11.2.
Variant type: single nucleotide variant.
Coding change: c.1965A>G on transcript NM_000256.3 (MANE Select); coding-DNA position 1965, A replaced by G.
Protein change: p.Ile655Met; replaces isoleucine 655 with methionine.
Molecular consequence: missense variant.
Genome position (GRCh38, 1-based): chr11:47,339,753, T>C on the plus strand (A>G on the coding strand, the complement: MYBPC3 is on the minus strand). VCF-style: chr11-47339753-T-C. GRCh37 (hg19) VCF-style: chr11-47361304-T-C.
Other names: short protein forms I655M.
Identifiers: ClinVar variation 2773726 (VCV002773726.3), dbSNP rs2495756411, ClinGen allele CA047764.

ClinVar aggregate classification (germline): Uncertain significance. Review status: criteria provided, multiple submitters, no conflicts (2 of 4 stars). 2 submissions from 2 submitters: Uncertain significance (2). Last evaluated 2023-06-26.

Conditions:
Cardiomyopathy (CMYO). Also called: Cardiomyopathies. Identifiers: Orphanet 167848, MedGen C0878544, MONDO:0004994, HP:0001638. Inheritance: Various modes of inheritance.
Hypertrophic cardiomyopathy. Also called: HYPERTROPHIC MYOCARDIOPATHY. Identifiers: Orphanet 217569, MedGen C0007194, MeSH D002312, MONDO:0005045, HP:0001639.

Submissions (2):

All of Us Research Program, National Institutes of Health
Classification: Uncertain significance for Hypertrophic cardiomyopathy. Last evaluated: 2023-06-26. Review status: criteria provided, single submitter. Criteria: ACMG Guidelines, 2015. Collection method: clinical testing. Allele origin: germline. Inheritance: Autosomal dominant inheritance. Observed: 1 variant allele, 1 heterozygote.
Comment: This missense variant replaces isoleucine with methionine at codon 655 of the MYBPC3 protein. Computational prediction suggests that this variant may not impact protein structure and function (internally defined REVEL score threshold <= 0.5, PMID: 27666373). To our knowledge, functional studies have not been reported for this variant. This variant has been reported in 2 individuals affected with hypertrophic cardiomyopathy (PMID: 33297573). This variant has not been identified in the general population by the Genome Aggregation Database (gnomAD). The available evidence is insufficient to determine the role of this variant in disease conclusively. Therefore, this variant is classified as a Variant of Uncertain Significance.

This study involves interpretation of variants in research participants for the purpose of population health screening. Participant phenotype was not available at the time of variant classification. Additional details can be found in publication PMID: 35346344, PMCID: PMC8962531

Color Diagnostics, LLC DBA Color Health
Classification: Uncertain significance for Cardiomyopathy. Last evaluated: 2023-04-11. Review status: criteria provided, single submitter. Criteria: ACMG Guidelines, 2015. Collection method: clinical testing. Allele origin: germline.
Comment: This missense variant replaces isoleucine with methionine at codon 655 of the MYBPC3 protein. Computational prediction suggests that this variant may not impact protein structure and function (internally defined REVEL score threshold <= 0.5, PMID: 27666373). To our knowledge, functional studies have not been reported for this variant. This variant has been reported in 2 individuals affected with hypertrophic cardiomyopathy (PMID: 33297573). This variant has not been identified in the general population by the Genome Aggregation Database (gnomAD). The available evidence is insufficient to determine the role of this variant in disease conclusively. Therefore, this variant is classified as a Variant of Uncertain Significance.

Literature cited by the submitters: PubMed 33297573 (cited by All of Us Research Program, National Institutes of Health and Color Diagnostics, LLC DBA Color Health).